The following is an entry in ClinVar:

NM_032447.5(FBN3):c.5687A>G (p.Gln1896Arg)

Gene: FBN3 (fibrillin 3; minus strand). Cytogenetic location: 19p13.2.
Variant type: single nucleotide variant.
Coding change: c.5687A>G on transcript NM_032447.5 (MANE Select); coding-DNA position 5687, A replaced by G.
Protein change: p.Gln1896Arg; replaces glutamine 1896 with arginine.
Molecular consequence: missense variant.
Genome position (GRCh38, 1-based): chr19:8,095,473, T>C on the plus strand (A>G on the coding strand, the complement: FBN3 is on the minus strand). VCF-style: chr19-8095473-T-C. GRCh37 (hg19) VCF-style: chr19-8160357-T-C.
Other names: c.5687A>G, p.Gln1896Arg (NM_001321431.2); short protein forms Q1896R.
Identifiers: ClinVar variation 3682877 (VCV003682877.2).
Genomic context (GRCh38, chr19:8,095,473, plus strand): 5'-TCCTGGCAGAGGCAGTGGAAGGAACCAGCTGTGTTGAGGCAATGGCCAAATCGGCACACC[T>C]GCCCCACCAGGGTAGTACACTCATCAAAATCTGTAGAGGGGAGATGGGCAGGCCAGTTCA-3'
Protein context (NP_115823.3, residues 1886-1906): DFDECTTLVG[Gln1896Arg]VCRFGHCLNT

ClinVar aggregate classification (germline): Uncertain significance (1 of 4 stars; one submission).

gnomAD v4.1: 1 of 1,613,660 alleles (0.000062%); highest among the groups gnomAD compares: East Asian, 0.0022%; no homozygotes.

Submission:

Labcorp Genetics (formerly Invitae), Labcorp
Classification: Uncertain significance. Last evaluated: 2024-10-05. Review status: criteria provided, single submitter. Criteria: Invitae Variant Classification Sherloc (09022015). Collection method: clinical testing. Allele origin: germline.
Comment: This sequence change replaces glutamine, which is neutral and polar, with arginine, which is basic and polar, at codon 1896 of the FBN3 protein (p.Gln1896Arg). This variant is not present in population databases (gnomAD no frequency). This variant has not been reported in the literature in individuals affected with FBN3-related conditions. Invitae Evidence Modeling of protein sequence and biophysical properties (such as structural, functional, and spatial information, amino acid conservation, physicochemical variation, residue mobility, and thermodynamic stability) indicates that this missense variant is not expected to disrupt FBN3 protein function with a negative predictive value of 80%. In summary, the available evidence is currently insufficient to determine the role of this variant in disease. Therefore, it has been classified as a Variant of Uncertain Significance.